The following is an entry in ClinVar:

NM_001034850.3(RETREG1):c.259_266del (p.Leu87fs)

Genes: RETREG1 (reticulophagy regulator 1; minus strand), RETREG1-AS1 (RETREG1 antisense RNA 1; plus strand). Cytogenetic location: 5p15.1.
Variant type: Deletion.
Coding change: c.259_266del on transcript NM_001034850.3 (MANE Select); coding-DNA positions 259 to 266, 8 bases deleted (CTGAGCTG; older notation c.259_266delCTGAGCTG).
Protein change: p.Leu87fs; shifts the reading frame from leucine 87.
Molecular consequence: frameshift variant.
Genome position (GRCh38, 1-based): chr5:16,616,706-16,616,713, CAGCTCAG deleted on the plus strand (CTGAGCTG on the coding strand, the reverse complement: RETREG1 is on the minus strand); deleting any 8 consecutive bases within chr5:16,616,706-16,616,719 gives the same sequence; the c. name uses the placement nearest the transcript's 3' end. VCF-style (leftmost placement, unchanged base first): chr5-16616705-CCAGCTCAG-C. GRCh37 (hg19) VCF-style: chr5-16616814-CCAGCTCAG-C.
Other names: short protein forms L87fs.
Identifiers: ClinVar variation 5006867 (VCV005006867.2).

ClinVar aggregate classification (germline): Likely pathogenic (1 of 4 stars; one submission).

Conditions:
Neuropathy, hereditary sensory and autonomic, type 2B (HSAN2B). Also called: RETREG1-Related HSAN2 (HSAN2B). Identifiers: Orphanet 970, MedGen C2751092, MONDO:0013142, OMIM 613115.

Submission:

Juno Genomics, Hangzhou Juno Genomics, Inc
Classification: Likely pathogenic for Neuropathy, hereditary sensory and autonomic, type 2B. Review status: criteria provided, single submitter. Criteria: ACMG Guidelines, 2015. Collection method: clinical testing. Allele origin: germline.
Comment: Null variant in a gene where loss of function (LOF) is a known mechanism of disease.;Absent from controls (or at extremely low frequency if recessive) in Genome Aggregation Database.